The following is an entry in ClinVar:

GRCh38/hg38 7q35(chr7:147043810-147167670)x0

Genes: CNTNAP2-AS1 (CNTNAP2 antisense RNA 1; minus strand), CNTNAP2 (contactin associated protein 2; plus strand). Cytogenetic location: 7q35.
Variant type: copy number loss.
Change: copy number 0 (both copies lost) of chr7:147,043,810-147,167,670 (123.9 kb, GRCh38 coordinates, 1-based), cytogenetic band 7q35.
Identifiers: ClinVar variation 2579166 (VCV002579166.1).

ClinVar aggregate classification (germline): Pathogenic (1 of 4 stars; one submission).

Conditions:
Cortical dysplasia-focal epilepsy syndrome (PTHSL1). Also called: Pitt-Hopkins-like syndrome 1. Identifiers: Orphanet 163681, Orphanet 221150, MedGen C2750246, MONDO:0012400, OMIM 610042.

Submission:

Broad Center for Mendelian Genomics, Broad Institute of MIT and Harvard
Classification: Pathogenic for Cortical dysplasia-focal epilepsy syndrome. Last evaluated: 2023-08-24. Review status: criteria provided, single submitter. Criteria: ACMG/ClinGen CNV Guidelines, 2019. Collection method: research. Allele origin: unknown. Inheritance: Autosomal recessive inheritance. Affected: yes.
Comment: These breakpoints have been estimated by exome sequencing only and therefore may not reflect the true breakpoints. Inheritance information is unavailable. The patient phenotype is nonspecific, but is consistent with cases described in the literature and/or published databases with overlapping variants. This intragenic variant is predicted to cause a frameshift, which alters the protein’s amino acid sequence beginning at exon 4 and leads to a premature termination codon. This alteration is then predicted to lead to a truncated or absent protein. Loss of function of CNTNAP2 is an established disease mechanism in autosomal recessive Pitt-Hopkins like syndrome. In summary, this variant meets criteria to be classified as pathogenic for autosomal recessive Pitt-Hopkins like syndrome. The ACMG/ClinGen evidence codes and points used in this curation are as follows: 1: 0 points, 2: 0.9 points, 3: 0 points, 4-5: 0.15 points; Total: 1.05 points; Riggs 2020 (PMID: 31690835).